The following is an entry in ClinVar:

NM_003476.5(CSRP3):c.278A>C (p.Gln93Pro)

Gene: CSRP3 (cysteine and glycine rich protein 3; minus strand). Cytogenetic location: 11p15.1.
Variant type: single nucleotide variant.
Coding change: c.278A>C on transcript NM_003476.5 (MANE Select); coding-DNA position 278, A replaced by C.
Protein change: p.Gln93Pro; replaces glutamine 93 with proline.
Molecular consequence: missense variant. On other transcripts: intron variant (1).
Genome position (GRCh38, 1-based): chr11:19,188,139, T>G on the plus strand (A>C on the coding strand, the complement: CSRP3 is on the minus strand). VCF-style: chr11-19188139-T-G. GRCh37 (hg19) VCF-style: chr11-19209686-T-G.
Other names: c.113-1791A>C (NM_001369404.1); short protein forms Q93P.
Identifiers: ClinVar variation 1368185 (VCV001368185.8), dbSNP rs2133510956, ClinGen allele CA379888118.

ClinVar aggregate classification (germline): Uncertain significance (1 of 4 stars; one submission).

Conditions:
Hypertrophic cardiomyopathy 12. Identifiers: MedGen C2677491, MONDO:0012804, OMIM 612124.
Dilated cardiomyopathy 1M (CMD1M). Identifiers: Orphanet 154, MedGen C1843808, MONDO:0011840, OMIM 607482.

Allele frequency attached by ClinVar (database versions not stated): gnomAD exomes below 0.00001.
gnomAD v4.1: 1 of 1,614,172 alleles (0.000062%); highest among the groups gnomAD compares: Non-Finnish European, 0.000085%; no homozygotes.

Submission:

Labcorp Genetics (formerly Invitae), Labcorp
Classification: Uncertain significance for Hypertrophic cardiomyopathy 12; Dilated cardiomyopathy 1M. Last evaluated: 2021-04-09. Review status: criteria provided, single submitter. Criteria: Invitae Variant Classification Sherloc (09022015). Collection method: clinical testing. Allele origin: germline.
Comment: This variant has not been reported in the literature in individuals with CSRP3-related conditions. This variant is not present in population databases (ExAC no frequency). This sequence change replaces glutamine with proline at codon 93 of the CSRP3 protein (p.Gln93Pro). The glutamine residue is moderately conserved and there is a moderate physicochemical difference between glutamine and proline. Algorithms developed to predict the effect of missense changes on protein structure and function (SIFT, PolyPhen-2, Align-GVGD) all suggest that this variant is likely to be tolerated, but these predictions have not been confirmed by published functional studies and their clinical significance is uncertain. In summary, the available evidence is currently insufficient to determine the role of this variant in disease. Therefore, it has been classified as a Variant of Uncertain Significance.